The following is an entry in ClinVar:

ClinVar aggregate classification (germline): Uncertain significance (1 of 4 stars; one submission).

gnomAD v4.1: 5 of 1,611,482 alleles (0.00031%); highest among the groups gnomAD compares: Non-Finnish European, 0.00042%; no homozygotes.

Submission:

Labcorp Genetics (formerly Invitae), Labcorp
Classification: Uncertain significance. Last evaluated: 2024-06-04. Review status: criteria provided, single submitter. Criteria: Invitae Variant Classification Sherloc (09022015). Collection method: clinical testing. Allele origin: germline.
Comment: This sequence change replaces threonine, which is neutral and polar, with isoleucine, which is neutral and non-polar, at codon 586 of the COL9A3 protein (p.Thr586Ile). This variant is present in population databases (rs776983973, gnomAD 0.003%). This variant has not been reported in the literature in individuals affected with COL9A3-related conditions. Advanced modeling of protein sequence and biophysical properties (such as structural, functional, and spatial information, amino acid conservation, physicochemical variation, residue mobility, and thermodynamic stability) performed at Invitae indicates that this missense variant is not expected to disrupt COL9A3 protein function with a negative predictive value of 95%. In summary, the available evidence is currently insufficient to determine the role of this variant in disease. Therefore, it has been classified as a Variant of Uncertain Significance.

NM_001853.4(COL9A3):c.1757C>T (p.Thr586Ile)

Gene: COL9A3 (collagen type IX alpha 3 chain; plus strand). Cytogenetic location: 20q13.33.
Variant type: single nucleotide variant.
Coding change: c.1757C>T on transcript NM_001853.4 (MANE Select); coding-DNA position 1757, C replaced by T.
Protein change: p.Thr586Ile; replaces threonine 586 with isoleucine.
Molecular consequence: missense variant.
Genome position (GRCh38, 1-based): chr20:62,837,236, C>T. VCF-style: chr20-62837236-C-T. GRCh37 (hg19) VCF-style: chr20-61468588-C-T.
Other names: short protein forms T586I.
Identifiers: ClinVar variation 3675500 (VCV003675500.2).